The following is an entry in ClinVar:

ClinVar aggregate classification (germline): Pathogenic (1 of 4 stars; one submission).

Conditions:
Actin accumulation myopathy (CMYO2A). Also called: CONGENITAL MYOPATHY 2A, TYPICAL, AUTOSOMAL DOMINANT; Myopathy, actin, congenital, with cores; Nemaline myopathy 3, with intranuclear rods; Nemaline myopathy type 3; Myopathy, actin, congenital, with excess of thin myofilaments. Identifiers: Orphanet 98904, MedGen C3711389, MONDO:0008070, OMIM 161800.

Submission:

Labcorp Genetics (formerly Invitae), Labcorp
Classification: Pathogenic for Actin accumulation myopathy. Last evaluated: 2024-01-02. Review status: criteria provided, single submitter. Criteria: Invitae Variant Classification Sherloc (09022015). Collection method: clinical testing. Allele origin: germline.
Comment: This sequence change replaces aspartic acid, which is acidic and polar, with glycine, which is neutral and non-polar, at codon 27 of the ACTA1 protein (p.Asp27Gly). This variant is not present in population databases (gnomAD no frequency). This missense change has been observed in individual(s) with clinical features of autosomal dominant congenital myopathy (Invitae). In at least one individual the variant was observed to be de novo. ClinVar contains an entry for this variant (Variation ID: 464133). Advanced modeling of protein sequence and biophysical properties (such as structural, functional, and spatial information, amino acid conservation, physicochemical variation, residue mobility, and thermodynamic stability) has been performed at Invitae for this missense variant, however the output from this modeling did not meet the statistical confidence thresholds required to predict the impact of this variant on ACTA1 protein function. This variant disrupts the p.Asp27 amino acid residue in ACTA1. Other variant(s) that disrupt this residue have been determined to be pathogenic (PMID: 12921789, 19562689). This suggests that this residue is clinically significant, and that variants that disrupt this residue are likely to be disease-causing. For these reasons, this variant has been classified as Pathogenic.

Literature cited by the submitters: PubMed 12921789; PubMed 19562689.

NM_001100.4(ACTA1):c.80A>G (p.Asp27Gly)

Gene: ACTA1 (actin alpha 1, skeletal muscle; minus strand). Cytogenetic location: 1q42.13.
Variant type: single nucleotide variant.
Coding change: c.80A>G on transcript NM_001100.4 (MANE Select); coding-DNA position 80, A replaced by G.
Protein change: p.Asp27Gly; replaces aspartic acid 27 with glycine.
Molecular consequence: missense variant.
Genome position (GRCh38, 1-based): chr1:229,433,036, T>C on the plus strand (A>G on the coding strand, the complement: ACTA1 is on the minus strand). VCF-style: chr1-229433036-T-C. GRCh37 (hg19) VCF-style: chr1-229568783-T-C.
Other names: short protein forms D27G.
Identifiers: ClinVar variation 464133 (VCV000464133.9), dbSNP rs1553255534, ClinGen allele CA345151460.